The following is an entry in ClinVar:

NM_024809.5(TCTN2):c.1154A>G (p.Tyr385Cys)

Gene: TCTN2 (tectonic family member 2; plus strand). Cytogenetic location: 12q24.31.
Variant type: single nucleotide variant.
Coding change: c.1154A>G on transcript NM_024809.5 (MANE Select); coding-DNA position 1154, A replaced by G.
Protein change: p.Tyr385Cys; replaces tyrosine 385 with cysteine.
Molecular consequence: missense variant.
Genome position (GRCh38, 1-based): chr12:123,694,896, A>G. VCF-style: chr12-123694896-A-G. GRCh37 (hg19) VCF-style: chr12-124179443-A-G.
Other names: c.1151A>G, p.Tyr384Cys (NM_001143850.3); c.1154A>G (NM_024809.3); short protein forms Y385C, Y384C.
Identifiers: ClinVar variation 1993428 (VCV001993428.5), dbSNP rs761842049, ClinGen allele CA6861124.
Genomic context (GRCh38, chr12:123,694,896, plus strand): 5'-TTGCAGAAACTCCTTTAAATAACGGATCAACCCCTAGAATTGTGAATGTGGAAGAACATT[A>G]TATTTTCAAATGGAATAATAATACCATCAGTGAAATAAATGTTAAAATTTTTAGGGCAGA-3'
Protein context (NP_079085.2, residues 375-395): TPRIVNVEEH[Tyr385Cys]IFKWNNNTIS

ClinVar aggregate classification (germline): Uncertain significance. Review status: criteria provided, multiple submitters, no conflicts (2 of 4 stars). 3 submissions from 3 submitters: Uncertain significance (3). Last evaluated 2025-08-20.

Conditions:
Meckel syndrome, type 8. Identifiers: Orphanet 564, MedGen C3836857, MONDO:0013482, OMIM 613885.
Joubert syndrome 24 (JBTS24). Identifiers: Orphanet 475, MedGen C4084841, MONDO:0014724, OMIM 616654.
Joubert syndrome. Also called: CEREBELLOPARENCHYMAL DISORDER IV; JOUBERT-BOLTSHAUSER SYNDROME; Familial aplasia of the vermis. Identifiers: Orphanet 475, MedGen C5979921, MONDO:0018772.
Meckel-Gruber syndrome. Also called: DYSENCEPHALIA SPLANCHNOCYSTICA; GRUBER SYNDROME; Dysencephalia splachnocystica. Identifiers: Orphanet 564, MedGen C0265215, MONDO:0018921.
Inborn genetic diseases. Identifiers: MedGen C0950123, MeSH D030342.

Allele frequency attached by ClinVar (database versions not stated): gnomAD exomes 0.00002; TOPMed 0.00002; ExAC 0.00002; gnomAD 0.00002.

Submissions (3):

Ambry Genetics
Classification: Uncertain significance for Inborn genetic diseases. Last evaluated: 2025-08-20. Review status: criteria provided, single submitter. Criteria: Ambry Variant Classification Scheme 2023. Collection method: clinical testing. Allele origin: germline.

Labcorp Genetics (formerly Invitae), Labcorp
Classification: Uncertain significance for Joubert syndrome; Meckel-Gruber syndrome. Last evaluated: 2024-12-02. Review status: criteria provided, single submitter. Criteria: Invitae Variant Classification Sherloc (09022015). Collection method: clinical testing. Allele origin: germline.
Comment: This sequence change replaces tyrosine, which is neutral and polar, with cysteine, which is neutral and slightly polar, at codon 385 of the TCTN2 protein (p.Tyr385Cys). This variant is present in population databases (rs761842049, gnomAD 0.003%). This variant has not been reported in the literature in individuals affected with TCTN2-related conditions. ClinVar contains an entry for this variant (Variation ID: 1993428). Invitae Evidence Modeling of protein sequence and biophysical properties (such as structural, functional, and spatial information, amino acid conservation, physicochemical variation, residue mobility, and thermodynamic stability) indicates that this missense variant is expected to disrupt TCTN2 protein function with a positive predictive value of 80%. In summary, the available evidence is currently insufficient to determine the role of this variant in disease. Therefore, it has been classified as a Variant of Uncertain Significance.

Fulgent Genetics
Classification: Uncertain significance for Meckel syndrome, type 8; Joubert syndrome 24. Last evaluated: 2024-02-21. Review status: criteria provided, single submitter. Criteria: ACMG Guidelines, 2015. Collection method: clinical testing. Allele origin: germline.